The following is an entry in ClinVar:

NM_014285.7(EXOSC2):c.552C>G (p.Thr184=)

Gene: EXOSC2 (exosome component 2; plus strand). Cytogenetic location: 9q34.12.
Variant type: single nucleotide variant.
Coding change: c.552C>G on transcript NM_014285.7 (MANE Select); coding-DNA position 552, C replaced by G.
Protein change: p.Thr184=; no amino-acid change (threonine 184 retained).
Molecular consequence: synonymous variant. On other transcripts: non-coding transcript variant (1).
Genome position (GRCh38, 1-based): chr9:130,702,190, C>G. VCF-style: chr9-130702190-C-G. GRCh37 (hg19) VCF-style: chr9-133577577-C-G.
Other names: c.474C>G, p.Thr158= (NM_001282708.1); c.462C>G, p.Thr154= (NM_001282709.1); c.552C>G (NM_014285.6).
Identifiers: ClinVar variation 1169455 (VCV001169455.12), dbSNP rs34120870, ClinGen allele CA5284914.

ClinVar aggregate classification (germline): Benign/Likely benign. Review status: criteria provided, multiple submitters, no conflicts (2 of 4 stars). 3 submissions from 3 submitters: Benign (1); Likely benign (1). 1 of the submissions does not count toward it. Last evaluated 2026-02-01.

Conditions:
EXOSC2-related disorder. Also called: EXOSC2-related condition.

Allele frequency attached by ClinVar (database versions not stated): gnomAD exomes 0.00017 and 0.00039; ExAC 0.00049; ESP Exome Variant Server 0.00177; 1000 Genomes Project 0.00180; gnomAD 0.00206 and 0.00227; 1000 Genomes Project 30x 0.00219; TOPMed 0.00224.
gnomAD v4.1: 570 of 1,614,068 alleles (0.035%); highest among the groups gnomAD compares: African/African-American, 0.67%; 1 homozygote.

Submissions (3):

Labcorp Genetics (formerly Invitae), Labcorp
Classification: Benign. Last evaluated: 2026-02-01. Review status: criteria provided, single submitter. Criteria: Invitae Variant Classification Sherloc (09022015). Collection method: clinical testing. Allele origin: germline.

Blueprint Genetics
Classification: Likely benign. Last evaluated: 2024-07-15. Review status: criteria provided, single submitter. Criteria: ACMG Guidelines, 2015. Collection method: clinical testing. Allele origin: germline.

PreventionGenetics, part of Exact Sciences
Classification: Likely benign for EXOSC2-related condition. Last evaluated: 2024-04-16. Review status: no assertion criteria provided. Collection method: clinical testing. Allele origin: germline. Not counted in ClinVar's aggregate classification.
Comment: This variant is classified as likely benign based on ACMG/AMP sequence variant interpretation guidelines (Richards et al. 2015 PMID: 25741868, with internal and published modifications).